The following is an entry in ClinVar:

ClinVar aggregate classification (germline): Conflicting classifications of pathogenicity. Review status: criteria provided, conflicting classifications (1 of 4 stars). 8 submissions from 6 submitters: Likely pathogenic (1); Uncertain significance (6). 1 of the submissions does not count toward it. Last evaluated 2025-12-03.

Conditions:
Neuromuscular disease caused by qualitative or quantitative defects of dysferlin. Also called: Dysferlinopathy; Qualitative or quantitative defects of dysferlin. Identifiers: Orphanet 207073, MedGen C2931687, MONDO:0016145.
Miyoshi muscular dystrophy 1 (MMD1). Identifiers: Orphanet 45448, MedGen C4551973, MONDO:0024545, OMIM 254130.
Autosomal recessive limb-girdle muscular dystrophy type 2B (LGMDR2). Also called: Limb-Girdle Muscular Dystrophy Type 2B (LGMD2B); Limb-girdle muscular dystrophy, type 2B; MUSCULAR DYSTROPHY, LIMB-GIRDLE, AUTOSOMAL RECESSIVE 2; MUSCULAR DYSTROPHY, LIMB-GIRDLE, TYPE 3. Identifiers: Orphanet 268, MedGen C1850889, MONDO:0009676, OMIM 253601.
Distal myopathy with anterior tibial onset. Identifiers: Orphanet 178400, MedGen C1847532, MONDO:0011721, OMIM 606768.

Submissions (8):

Labcorp Genetics (formerly Invitae), Labcorp
Classification: Uncertain significance for Neuromuscular disease caused by qualitative or quantitative defects of dysferlin. Last evaluated: 2025-12-03. Review status: criteria provided, single submitter. Criteria: Invitae Variant Classification Sherloc (09022015). Collection method: clinical testing. Allele origin: germline.
Comment: This sequence change replaces threonine, which is neutral and polar, with proline, which is neutral and non-polar, at codon 1507 of the DYSF protein (p.Thr1507Pro). This variant is not present in population databases (gnomAD no frequency). This missense change has been observed in individual(s) with clinical features of limb girdle muscular dustrophy (PMID: 34418069, 37564451, 39678382; internal data). ClinVar contains an entry for this variant (Variation ID: 1058370). Invitae Evidence Modeling of protein sequence and biophysical properties (such as structural, functional, and spatial information, amino acid conservation, physicochemical variation, residue mobility, and thermodynamic stability) indicates that this missense variant is not expected to disrupt DYSF protein function with a negative predictive value of 95%. In summary, the available evidence is currently insufficient to determine the role of this variant in disease. Therefore, it has been classified as a Variant of Uncertain Significance.

Variantyx, Inc.
Classification: Likely pathogenic for Autosomal recessive limb-girdle muscular dystrophy type 2B. Last evaluated: 2025-03-11. Review status: criteria provided, single submitter. Criteria: Variantyx Assertion Criteria 2022. Collection method: clinical testing. Allele origin: germline. Affected: yes.
Comment: This is a nonsynonymous variant in the DYSF gene (OMIM: 603009). Pathogenic variants in this gene have been associated with autosomal recessive limb-girdle muscular dystrophy 2. The clinical symptoms reported for this individual are highly specific for autosomal recessive limb-girdle muscular dystrophy 2, which has a limited genetic etiology (PP4_strong). This variant has been identified in the homozygous or compound heterozygous state in one or more of the following: the current proband, at least 2 individual(s) from the published literature (PMID: 34418069, 37564451), or previous internal cases (PM3_Supporting). This variant is absent from control populations (PM2_Supporting). Computational algorithms produce conflicting evidence regarding the predicted functional impact of this variant (REVEL score: 0.559). Based on the current evidence, this variant is classified as likely pathogenic for autosomal recessive limb-girdle muscular dystrophy 2.

Kariminejad - Najmabadi Pathology & Genetics Center
Classification: Uncertain significance for Miyoshi muscular dystrophy 1. Last evaluated: 2024-07-22. Review status: criteria provided, single submitter. Criteria: ACMG Guidelines, 2015. Collection method: clinical testing. Allele origin: germline. Inheritance: Autosomal recessive inheritance. Affected: yes.
Comment: PM2, PP3, PP4

Kariminejad - Najmabadi Pathology & Genetics Center
Classification: Uncertain significance for Autosomal recessive limb-girdle muscular dystrophy type 2B. Last evaluated: 2024-04-16. Review status: criteria provided, single submitter. Criteria: ACMG Guidelines, 2015. Collection method: clinical testing. Allele origin: germline. Inheritance: Autosomal recessive inheritance. Affected: yes.
Comment: PM2, PP3, PP4, PM3

Revvity Omics, Revvity
Classification: Uncertain significance. Last evaluated: 2024-02-08. Review status: criteria provided, single submitter. Criteria: ACMG Guidelines, 2015. Collection method: clinical testing. Allele origin: germline.

Kariminejad - Najmabadi Pathology & Genetics Center
Classification: Uncertain significance for Miyoshi muscular dystrophy 1; Autosomal recessive limb-girdle muscular dystrophy type 2B; Distal myopathy with anterior tibial onset. Last evaluated: 2022-06-28. Review status: criteria provided, single submitter. Criteria: ACMG Guidelines, 2015. Collection method: clinical testing. Allele origin: germline. Inheritance: Autosomal recessive inheritance. Affected: yes.
Comment: PM2,PM3_Supporting,PP3

Blueprint Genetics
Classification: Uncertain significance. Last evaluated: 2021-06-28. Review status: criteria provided, single submitter. Criteria: ACMG Guidelines, 2015. Collection method: clinical testing. Allele origin: germline.

Natera, Inc.
Classification: Uncertain significance for Limb-girdle muscular dystrophy type 2B. Last evaluated: 2020-05-13. Review status: no assertion criteria provided. Collection method: clinical testing. Allele origin: germline. Not counted in ClinVar's aggregate classification.

Literature cited by the submitters: PubMed 34418069 (cited by Labcorp Genetics (formerly Invitae), Labcorp); PubMed 37564451 (cited by Labcorp Genetics (formerly Invitae), Labcorp); PubMed 39678382 (cited by Labcorp Genetics (formerly Invitae), Labcorp).

NM_001130987.2(DYSF):c.4636A>C (p.Thr1546Pro)

Gene: DYSF (dysferlin; plus strand). Cytogenetic location: 2p13.2.
Variant type: single nucleotide variant.
Coding change: c.4636A>C on transcript NM_001130987.2 (MANE Select); coding-DNA position 4636, A replaced by C.
Protein change: p.Thr1546Pro; replaces threonine 1546 with proline.
Molecular consequence: missense variant.
Genome position (GRCh38, 1-based): chr2:71,656,171, A>C. VCF-style: chr2-71656171-A-C. GRCh37 (hg19) VCF-style: chr2-71883301-A-C.
Other names: c.4522A>C, p.Thr1508Pro (NM_001130455.2); c.4477A>C, p.Thr1493Pro (NM_001130976.2); c.4540A>C, p.Thr1514Pro (NM_001130977.2); c.4582A>C, p.Thr1528Pro (NM_001130978.2); c.4612A>C, p.Thr1538Pro (NM_001130979.2); c.4570A>C, p.Thr1524Pro (NM_001130980.2); c.4633A>C, p.Thr1545Pro (NM_001130981.2); c.4615A>C, p.Thr1539Pro (NM_001130982.2); and 5 more; short protein forms T1493P, T1494P, T1507P, T1508P, T1514P, T1515P, T1524P, T1525P.
Identifiers: ClinVar variation 1058370 (VCV001058370.9), dbSNP rs2094765878, ClinGen allele CA347219314.